The following is an entry in ClinVar:

NM_004260.4(RECQL4):c.1852del (p.Arg618fs)

Gene: RECQL4 (RecQ like helicase 4; minus strand). Cytogenetic location: 8q24.3.
Variant type: Deletion.
Coding change: c.1852del on transcript NM_004260.4 (MANE Select); coding-DNA position 1852, one base deleted (C; older notation c.1852delC).
Protein change: p.Arg618fs; shifts the reading frame from arginine 618.
Molecular consequence: frameshift variant.
Genome position (GRCh38, 1-based): chr8:144,514,215, G deleted on the plus strand (C on the coding strand, the reverse complement: RECQL4 is on the minus strand); the first of 2 consecutive G bases (chr8:144,514,215-144,514,216); deleting either gives the same sequence. VCF-style (leftmost placement, unchanged base first): chr8-144514214-CG-C. GRCh37 (hg19) VCF-style: chr8-145739598-CG-C.
Other names: c.1852del (NM_004260.3); short protein forms R618fs.
Identifiers: ClinVar variation 1397385 (VCV001397385.7), dbSNP rs909588820, ClinGen allele CA187684899.

ClinVar aggregate classification (germline): Pathogenic. Review status: criteria provided, single submitter (1 of 4 stars). 2 submissions from 2 submitters: Pathogenic (1). 1 of the submissions does not count toward it. Last evaluated 2024-11-05.

Conditions:
Baller-Gerold syndrome (BGS). Also called: CRANIOSYNOSTOSIS WITH RADIAL DEFECTS. Identifiers: Orphanet 1225, MedGen C0265308, MONDO:0009039, OMIM 218600.

Submissions (2):

Labcorp Genetics (formerly Invitae), Labcorp
Classification: Pathogenic for Baller-Gerold syndrome. Last evaluated: 2024-11-05. Review status: criteria provided, single submitter. Criteria: Invitae Variant Classification Sherloc (09022015). Collection method: clinical testing. Allele origin: germline.
Comment: This sequence change creates a premature translational stop signal (p.Arg618Glyfs*72) in the RECQL4 gene. It is expected to result in an absent or disrupted protein product. Loss-of-function variants in RECQL4 are known to be pathogenic (PMID: 12734318, 12952869). This variant is present in population databases (no rsID available, gnomAD 0.0009%). This variant has not been reported in the literature in individuals affected with RECQL4-related conditions. ClinVar contains an entry for this variant (Variation ID: 1397385). For these reasons, this variant has been classified as Pathogenic.

Genetic Services Laboratory, University of Chicago
Classification: Likely pathogenic. Last evaluated: 2022-11-28. Review status: no assertion criteria provided. Collection method: clinical testing. Allele origin: germline. Affected: yes. Not counted in ClinVar's aggregate classification.
Comment: DNA sequence analysis of the RECQL4 gene demonstrated a single base pair deletion in exon 11, c.1852del This pathogenic sequence change results in an amino acid frameshift and creates a premature stop codon 71 amino acids downstream of the change, .p.Arg618Glyfs*72. This pathogenic sequence change is predicted to result in an abnormal transcript, which may be degraded, or may lead to the production of a truncated RECQL4 protein with potentially abnormal function. While this sequence change has not previously been described in the literature, other truncating variants in the RECQL4 gene have been described in several individuals with RECQL4 -related disorders (PMIDs: 18716613, 12734318). This sequence change has been described in the gnomAD database in one individual (dbSNP rs909588820). These collective evidences indicate that this variant is likely pathogenic.

Literature cited by the submitters: PubMed 12734318 (cited by Labcorp Genetics (formerly Invitae), Labcorp); PubMed 12952869 (cited by Labcorp Genetics (formerly Invitae), Labcorp).